The following is an entry in ClinVar:

NM_138773.4(SLC25A46):c.63G>T (p.Glu21Asp)

Gene: SLC25A46 (solute carrier family 25 member 46; plus strand). Cytogenetic location: 5q22.1.
Variant type: single nucleotide variant.
Coding change: c.63G>T on transcript NM_138773.4 (MANE Select); coding-DNA position 63, G replaced by T.
Protein change: p.Glu21Asp; replaces glutamic acid 21 with aspartic acid.
Molecular consequence: missense variant. On other transcripts: non-coding transcript variant (1), intron variant (1).
Genome position (GRCh38, 1-based): chr5:110,739,182, G>T. VCF-style: chr5-110739182-G-T. GRCh37 (hg19) VCF-style: chr5-110074883-G-T.
Other names: c.63G>T, p.Glu21Asp (NM_001303249.3); c.10+935G>T (NM_001303250.3); short protein forms E21D.
Identifiers: ClinVar variation 577726 (VCV000577726.9), dbSNP rs1561595734, ClinGen allele CA360693066.
Genomic context (GRCh38, chr5:110,739,182, plus strand): 5'-GCATCCGCGGCGCCCGGACGGATTTGATGGCTTGGGCTACCGGGGTGGTGCCCGGGACGA[G>T]CAGGGCTTTGGCGGCGCCTTCCCTGCAAGGTCCTTCAGCACCGGGTCGGACCTGGGCCAC-3'
Protein context (NP_620128.1, residues 11-31): GLGYRGGARD[Glu21Asp]QGFGGAFPAR

ClinVar aggregate classification (germline): Uncertain significance (1 of 4 stars; one submission).

Conditions:
Neuropathy, hereditary motor and sensory, type 6B (HMSN6B). Also called: HMSN VIB; CHARCOT-MARIE-TOOTH DISEASE, TYPE 6B; Neuropathy, hereditary motor and sensory, type VIB; NEUROPATHY, HEREDITARY MOTOR AND SENSORY, TYPE VIB, WITH OPTIC ATROPHY. Identifiers: MedGen C4225302, MONDO:0014671, OMIM 616505.

Submission:

Labcorp Genetics (formerly Invitae), Labcorp
Classification: Uncertain significance for Neuropathy, hereditary motor and sensory, type 6B. Last evaluated: 2020-01-07. Review status: criteria provided, single submitter. Criteria: Invitae Variant Classification Sherloc (09022015). Collection method: clinical testing. Allele origin: germline.
Comment: In summary, the available evidence is currently insufficient to determine the role of this variant in disease. Therefore, it has been classified as a Variant of Uncertain Significance. Algorithms developed to predict the effect of missense changes on protein structure and function output the following: SIFT: "Tolerated"; PolyPhen-2: "Benign"; Align-GVGD: "Class C0". The aspartic acid amino acid residue is found in multiple mammalian species, suggesting that this missense change does not adversely affect protein function. These predictions have not been confirmed by published functional studies and their clinical significance is uncertain. This variant has not been reported in the literature in individuals with SLC25A46-related disease. This variant is not present in population databases (ExAC no frequency). This sequence change replaces glutamic acid with aspartic acid at codon 21 of the SLC25A46 protein (p.Glu21Asp). The glutamic acid residue is weakly conserved and there is a small physicochemical difference between glutamic acid and aspartic acid.